The following is an entry in ClinVar:

NM_147127.5(EVC2):c.2739G>T (p.Lys913Asn)

Gene: EVC2 (EvC ciliary complex subunit 2; minus strand). Cytogenetic location: 4p16.2.
Variant type: single nucleotide variant.
Coding change: c.2739G>T on transcript NM_147127.5 (MANE Select); coding-DNA position 2739, G replaced by T.
Protein change: p.Lys913Asn; replaces lysine 913 with asparagine.
Molecular consequence: missense variant.
Genome position (GRCh38, 1-based): chr4:5,615,512, C>A on the plus strand (G>T on the coding strand, the complement: EVC2 is on the minus strand). VCF-style: chr4-5615512-C-A. GRCh37 (hg19) VCF-style: chr4-5617239-C-A.
Other names: c.2499G>T, p.Lys833Asn (NM_001166136.2); short protein forms K833N, K913N.
Identifiers: ClinVar variation 3760065 (VCV003760065.2).
Genomic context (GRCh38, chr4:5,615,512, plus strand): 5'-CTCACAGAGGTGAATTTTGTCTTCGATGCACTTCTTCAGAAGCTCTCCCTTGCTTTTACT[C>A]TTGGACCGTGACTTTCTCACCTTGGACTGTTGCTGGAGAGGGGTTGGGGAAGACGTGGGT-3'
Protein context (NP_667338.3, residues 903-923): QQSKVRKSRS[Lys913Asn]SKSKGELLKK

ClinVar aggregate classification (germline): Uncertain significance (1 of 4 stars; one submission).

Conditions:
Curry-Hall syndrome (WAD). Also called: WEYERS ACRODENTAL DYSOSTOSIS. Identifiers: Orphanet 952, MedGen C0457013, MONDO:0008673, OMIM 193530.
Ellis-van Creveld syndrome (EVC). Also called: EVC-Related Ellis-van Creveld Syndrome; EVC2-Related Ellis-van Creveld Syndrome; MESOECTODERMAL DYSPLASIA; Chondroectodermal dysplasia. Identifiers: Orphanet 289, MedGen C0013903, MONDO:0009162, OMIM 225500.

Submission:

Labcorp Genetics (formerly Invitae), Labcorp
Classification: Uncertain significance for Curry-Hall syndrome; Ellis-van Creveld syndrome. Last evaluated: 2024-12-15. Review status: criteria provided, single submitter. Criteria: Invitae Variant Classification Sherloc (09022015). Collection method: clinical testing. Allele origin: germline.
Comment: This sequence change replaces lysine, which is basic and polar, with asparagine, which is neutral and polar, at codon 913 of the EVC2 protein (p.Lys913Asn). This variant is not present in population databases (gnomAD no frequency). This variant has not been reported in the literature in individuals affected with EVC2-related conditions. An algorithm developed to predict the effect of missense changes on protein structure and function (PolyPhen-2) suggests that this variant is likely to be disruptive. In summary, the available evidence is currently insufficient to determine the role of this variant in disease. Therefore, it has been classified as a Variant of Uncertain Significance.